The following is an entry in ClinVar:

ClinVar aggregate classification (germline): Pathogenic (1 of 4 stars; one submission).

Conditions:
Hereditary cancer-predisposing syndrome. Also called: Hereditary Cancer Syndrome; Neoplastic Syndromes, Hereditary; Tumor predisposition; Hereditary neoplastic syndrome. Identifiers: Orphanet 140162, MedGen C0027672, MeSH D009386, MONDO:0015356.

Submission:

Ambry Genetics
Classification: Pathogenic for Hereditary cancer-predisposing syndrome. Last evaluated: 2019-03-13. Review status: criteria provided, single submitter. Criteria: Ambry Variant Classification Scheme 2023. Collection method: clinical testing. Allele origin: germline.
Comment: The c.534delG pathogenic mutation, located in coding exon 5 of the PMS2 gene, results from a deletion of one nucleotide at nucleotide position 534, causing a translational frameshift with a predicted alternate stop codon (p.K179Rfs*22). This alteration is expected to result in loss of function by premature protein truncation or nonsense-mediated mRNA decay. As such, this alteration is interpreted as a disease-causing mutation.

NM_000535.7(PMS2):c.534del (p.Lys179fs)

Gene: PMS2 (PMS1 homolog 2, mismatch repair system component; minus strand). Cytogenetic location: 7p22.1.
Variant type: Deletion.
Coding change: c.534del on transcript NM_000535.7 (MANE Select); coding-DNA position 534, one base deleted (G; older notation c.534delG).
Protein change: p.Lys179fs; shifts the reading frame from lysine 179.
Molecular consequence: frameshift variant. On other transcripts: 5 prime UTR variant (2), non-coding transcript variant (1).
Genome position (GRCh38, 1-based): chr7:6,002,456, C deleted on the plus strand (G on the coding strand, the reverse complement: PMS2 is on the minus strand). VCF-style (leftmost placement, unchanged base first): chr7-6002455-TC-T. GRCh37 (hg19) VCF-style: chr7-6042086-TC-T.
Other names: c.129delG, p.Lys44Argfs (NM_001406890.1, NM_001406892.1, NM_001406893.1 and 18 more transcripts); c.129del, p.Lys44fs (NM_001322003.2, NM_001322004.2, NM_001322005.2 and 3 more transcripts); c.534del, p.Lys179fs (NM_001322006.2, NM_001322014.2); c.216del, p.Lys73fs (NM_001322007.2, NM_001322008.2); c.-351del (NM_001322011.2, NM_001322012.2); c.225del, p.Lys76fs (NM_001322015.2); c.720delG, p.Lys241Argfs (NM_001406866.1); c.558delG, p.Lys187Argfs (NM_001406868.1); and 5 more; short protein forms K179fs, K44fs, K76fs, K73fs.
Identifiers: ClinVar variation 1746987 (VCV001746987.2), dbSNP rs2536431876, ClinGen allele CA2578823689.